The following is an entry in ClinVar:

NM_001034853.2(RPGR):c.1693C>T (p.Gln565Ter)

Gene: RPGR (retinitis pigmentosa GTPase regulator; minus strand). Cytogenetic location: Xp11.4.
Variant type: single nucleotide variant.
Coding change: c.1693C>T on transcript NM_001034853.2 (MANE Select); coding-DNA position 1693, C replaced by T.
Protein change: p.Gln565Ter; replaces glutamine 565 with a stop codon.
Molecular consequence: nonsense. On other transcripts: non-coding transcript variant (1), intron variant (5).
Genome position (GRCh38, 1-based): chrX:38,287,921, G>A on the plus strand (C>T on the coding strand, the complement: RPGR is on the minus strand). VCF-style: chrX-38287921-G-A. GRCh37 (hg19) VCF-style: chrX-38147174-G-A.
Other names: NM_001034853.2(RPGR):c.1693C>T; p.Gln565Ter; c.1693C>T (NM_001034853.1); c.1693C>T, p.Gln565Ter (NM_000328.3); c.1690C>T, p.Gln564Ter (NM_001367245.1); c.1507C>T, p.Gln503Ter (NM_001367246.1); c.1569+3038C>T (NM_001367249.1, NM_001367250.1); c.1386+3038C>T (NM_001367251.1); and 2 more; short protein forms Q503*, Q564*, Q565*.
Identifiers: ClinVar variation 2907569 (VCV002907569.5), dbSNP rs757501405, ClinGen allele CA412736970.

ClinVar aggregate classification (germline): Pathogenic. Review status: reviewed by expert panel (3 of 4 stars). 3 submissions from 3 submitters: Pathogenic (1). 2 of the submissions do not count toward it. Last evaluated 2026-01-25.

Conditions:
RPGR-related disorder. Also called: RPGR-related condition.
RPGR-related retinopathy. Also called: RPGR retinopathy. Identifiers: MedGen CN305589, MONDO:0100437.
Primary ciliary dyskinesia. Also called: Ciliary dyskinesia. Identifiers: Orphanet 244, MedGen C0008780, MONDO:0016575, HP:0012265.

Submissions (3):

ClinGen X-linked Inherited Retinal Disease Variant Curation Expert Panel, ClinGen
Classification: Pathogenic for RPGR-related retinopathy. Last evaluated: 2026-01-25. Review status: reviewed by expert panel. Criteria: ClinGen X LinkedIRD ACMG Specifications RPGR V1.0.0. Collection method: curation. Allele origin: germline. Inheritance: X-linked inheritance.
Comment: NM_001034853.2(RPGR):c.1693C>T (p.Gln565Ter) is a nonsense variant in codon 565 that introduces a premature stop codon into exon 14 of 15, and is predicted to lead to nonsense-mediated decay in the RPGR gene in which loss-of-function is an established mechanism of disease (PVS1). This variant is absent from gnomAD v4.1.0 (PM2_Supporting). At least one female proband (>40) harboring this variant has been confirmed to have an affected male relative and exhibits a delayed phenotype including night blindness, and moderately decreased cone and rod electroretinogram responses (PMID: 31645972). The variant has been reported to segregate with retinal dystrophy through at least 3 affected meioses from 1 family (PP1_Moderate; PMID: 31645972). In summary, this variant is classified as pathogenic for RPGR-related retinopathy based on the ClinGen X-linked Inherited Retinal Disease Expert Panel Specifications to the ACMG/AMP Variant Interpretation Guidelines for RPGR Version 1.0.0; PVS1, PM2_Supporting, and PP1_Moderate.

PreventionGenetics, part of Exact Sciences
Classification: Pathogenic for RPGR-related condition. Last evaluated: 2026-03-05. Review status: criteria provided, single submitter. Criteria: ACMG Guidelines, 2015. Collection method: clinical testing. Allele origin: germline. Not counted in ClinVar's aggregate classification.
Comment: The RPGR c.1693C>T variant is predicted to result in premature protein termination (p.Gln565*). This variant has been reported in an individual with X-linked retinitis pigmentosa (XLRP; Mawatari et al. 2019. PubMed ID: 31645972). This variant has not been reported in a large population database (gnomAD), indicating this variant is rare. This variant has been classified as pathogenic by the ClinGen X-linked Inherited Retinal Disease Variant Curation Expert Panel (Variation ID: 2907569). Nonsense variants in RPGR are expected to be pathogenic. This variant is interpreted as pathogenic.

Labcorp Genetics (formerly Invitae), Labcorp
Classification: Pathogenic for Primary ciliary dyskinesia. Last evaluated: 2023-09-09. Review status: criteria provided, single submitter. Criteria: Invitae Variant Classification Sherloc (09022015). Collection method: clinical testing. Allele origin: germline. Not counted in ClinVar's aggregate classification.
Comment: For these reasons, this variant has been classified as Pathogenic. Algorithms developed to predict the effect of sequence changes on RNA splicing suggest that this variant may disrupt the consensus splice site. This premature translational stop signal has been observed in individual(s) with a retinal disorder (PMID: 31645972). This variant is not present in population databases (gnomAD no frequency). This sequence change creates a premature translational stop signal (p.Gln565*) in the RPGR gene. It is expected to result in an absent or disrupted protein product. Loss-of-function variants in RPGR are known to be pathogenic (PMID: 16055928, 16969763).

Literature cited by the submitters: PubMed 31645972 (cited by Labcorp Genetics (formerly Invitae), Labcorp); PubMed 16055928 (cited by Labcorp Genetics (formerly Invitae), Labcorp); PubMed 16969763 (cited by Labcorp Genetics (formerly Invitae), Labcorp).